The following is an entry in ClinVar:

NM_020988.3(GNAO1):c.1012G>A (p.Ala338Thr)

Gene: GNAO1 (G protein subunit alpha o1; plus strand). Cytogenetic location: 16q13.
Variant type: single nucleotide variant.
Coding change: c.1012G>A on transcript NM_020988.3 (MANE Select); coding-DNA position 1012, G replaced by A.
Protein change: p.Ala338Thr; replaces alanine 338 with threonine.
Molecular consequence: missense variant.
Genome position (GRCh38, 1-based): chr16:56,355,000, G>A. VCF-style: chr16-56355000-G-A. GRCh37 (hg19) VCF-style: chr16-56388912-G-A.
Other names: short protein forms A338T.
Identifiers: ClinVar variation 3677681 (VCV003677681.2).

ClinVar aggregate classification (germline): Uncertain significance (1 of 4 stars; one submission).

Conditions:
Early-infantile DEE. Also called: Ohtahara syndrome; Early infantile epileptic encephalopathy with suppression bursts; Early infantile epileptic encephalopathy. Identifiers: Orphanet 1934, MedGen C0393706, MONDO:0800491.

Submission:

Labcorp Genetics (formerly Invitae), Labcorp
Classification: Uncertain significance for Early-infantile DEE. Last evaluated: 2024-03-06. Review status: criteria provided, single submitter. Criteria: Invitae Variant Classification Sherloc (09022015). Collection method: clinical testing. Allele origin: germline.
Comment: This sequence change replaces alanine, which is neutral and non-polar, with threonine, which is neutral and polar, at codon 338 of the GNAO1 protein (p.Ala338Thr). This variant is not present in population databases (gnomAD no frequency). This variant has not been reported in the literature in individuals affected with GNAO1-related conditions. Advanced modeling of protein sequence and biophysical properties (such as structural, functional, and spatial information, amino acid conservation, physicochemical variation, residue mobility, and thermodynamic stability) has been performed at Invitae for this missense variant, however the output from this modeling did not meet the statistical confidence thresholds required to predict the impact of this variant on GNAO1 protein function. In summary, the available evidence is currently insufficient to determine the role of this variant in disease. Therefore, it has been classified as a Variant of Uncertain Significance.